The following is an entry in ClinVar:

ClinVar aggregate classification (germline): Pathogenic/Likely pathogenic. Review status: criteria provided, multiple submitters, no conflicts (2 of 4 stars). 8 submissions from 8 submitters: Pathogenic (7); Likely pathogenic (1). Last evaluated 2025-12-21.

Conditions:
Hereditary cancer-predisposing syndrome. Also called: Neoplastic Syndromes, Hereditary; Hereditary Cancer Syndrome; Tumor predisposition; Hereditary neoplastic syndrome. Identifiers: Orphanet 140162, MedGen C0027672, MeSH D009386, MONDO:0015356.
Ataxia-telangiectasia syndrome (AT). Also called: LOUIS-BAR SYNDROME; Cerebello-oculocutaneous telangiectasia; Immunodeficiency with ataxia telangiectasia; Ataxia-telangiectasia, complementation group D; AT, COMPLEMENTATION GROUP C; Ataxia-telangiectasia, complementation group E. Identifiers: Orphanet 100, MedGen C0004135, MONDO:0008840, OMIM 208900.
Familial cancer of breast. Also called: Hereditary breast cancer; BREAST CANCER, FAMILIAL; hereditary breast carcinoma. Identifiers: Orphanet 227535, MedGen C0346153, MONDO:0016419, OMIM 114480. Disease mechanism: loss of function.

Allele frequency attached by ClinVar (database versions not stated): gnomAD exomes below 0.00001; ExAC 0.00001.
gnomAD v4.1: 3 of 1,612,120 alleles (0.00019%); highest among the groups gnomAD compares: Non-Finnish European, 0.00017%; no homozygotes.

Submissions (8):

Labcorp Genetics (formerly Invitae), Labcorp
Classification: Pathogenic for Ataxia-telangiectasia syndrome. Last evaluated: 2025-12-21. Review status: criteria provided, single submitter. Criteria: Invitae Variant Classification Sherloc (09022015). Collection method: clinical testing. Allele origin: germline.
Comment: This sequence change creates a premature translational stop signal (p.Gln2641*) in the ATM gene. It is expected to result in an absent or disrupted protein product. Loss-of-function variants in ATM are known to be pathogenic (PMID: 23807571, 25614872). This variant is present in population databases (rs769523686, gnomAD 0.0009%). This premature translational stop signal has been observed in individual(s) with prostate cancer (PMID: 32338768). ClinVar contains an entry for this variant (Variation ID: 481287). For these reasons, this variant has been classified as Pathogenic.

Victorian Clinical Genetics Services, Murdoch Childrens Research Institute
Classification: Pathogenic for Familial cancer of breast. Last evaluated: 2024-10-22. Review status: criteria provided, single submitter. Criteria: ACMG Guidelines, 2015. Collection method: clinical testing. Allele origin: germline.
Comment: This variant is classified as Pathogenic. Evidence in support of pathogenic classification: Variant is predicted to cause nonsense-mediated decay (NMD) and loss of protein (premature termination codon is located at least 54 nucleotides upstream of the final exon-exon junction); Variant is present in gnomAD <0.01 (v4: 3 heterozygote(s), 0 homozygote(s)); This variant has strong previous evidence of pathogenicity in unrelated individuals. This variant has been classified as likely pathogenic/pathogenic by multiple clinical laboratories in ClinVar; Other NMD-predicted variant(s) comparable to the one identified in this case have very strong previous evidence for pathogenicity (DECIPHER). Additional information: This variant is heterozygous; This gene is associated with both recessive and dominant disease. Biallelic variants in this gene result in ataxia-telangiectasia; however, heterozygous carriers of specific pathogenic variants have an increased risk of breast cancer (PMID: 27595995). Germline variants in this gene may also contribute to increased risk of other cancers including gastric, colorectal, and pancreatic cancers, however the risk is not well-established at this stage (PMIDs: 22585167, 27978560, 26506520); Loss of function is a known mechanism of disease in this gene and is associated with ataxia-telangiectasia (MIM#208900) and susceptibility to breast cancer (MIM#114480); Variants in this gene are known to have variable expressivity with regard to ataxia-telangiectasia. Variable age of onset and rate of disease progression have been reported for affected individuals within the same family (PMIDs: 20301790, 27884168).

Women's Health and Genetics/Laboratory Corporation of America, LabCorp
Classification: Pathogenic for Ataxia-telangiectasia syndrome. Last evaluated: 2024-10-11. Review status: criteria provided, single submitter. Criteria: LabCorp Variant Classification Summary - May 2015. Collection method: clinical testing. Allele origin: germline.
Comment: Variant summary: ATM c.7921C>T (p.Gln2641X) results in a premature termination codon, predicted to cause absence of the protein due to nonsense mediated decay, which is a commonly known mechanism for disease. The variant allele was found at a frequency of 4e-06 in 249998 control chromosomes. c.7921C>T has been reported in the literature in at-least one individual affected with Pancreatic cancer (example, Nguyen-Dumont_2021). To our knowledge, no experimental evidence demonstrating an impact on protein function has been reported. The following publication has been ascertained in the context of this evaluation (PMID: 33804961). ClinVar contains an entry for this variant (Variation ID: 481287). Based on the evidence outlined above, the variant was classified as pathogenic.

Ambry Genetics
Classification: Pathogenic for Hereditary cancer-predisposing syndrome. Last evaluated: 2024-05-21. Review status: criteria provided, single submitter. Criteria: Ambry Variant Classification Scheme 2023. Collection method: clinical testing. Allele origin: germline.
Comment: The p.Q2641* pathogenic mutation (also known as c.7921C>T), located in coding exon 52 of the ATM gene, results from a C to T substitution at nucleotide position 7921. This changes the amino acid from a glutamine to a stop codon within coding exon 52. This alteration is expected to result in loss of function by premature protein truncation or nonsense-mediated mRNA decay. As such, this alteration is interpreted as a disease-causing mutation.

Myriad Genetics, Inc.
Classification: Pathogenic for Familial cancer of breast. Last evaluated: 2024-02-01. Review status: criteria provided, single submitter. Criteria: Myriad Autosomal Dominant, Autosomal Recessive and X-Linked Classification Criteria (2023). Collection method: clinical testing. Allele origin: unknown.
Comment: This variant is considered pathogenic. This variant creates a termination codon and is predicted to result in premature protein truncation.

Baylor Genetics
Classification: Pathogenic for Familial cancer of breast. Last evaluated: 2022-08-16. Review status: criteria provided, single submitter. Criteria: ACMG Guidelines, 2015. Collection method: clinical testing. Allele origin: unknown.

GeneDx
Classification: Likely pathogenic. Last evaluated: 2022-04-15. Review status: criteria provided, single submitter. Criteria: GeneDx Variant Classification Process June 2021. Collection method: clinical testing. Allele origin: germline. Affected: yes.
Comment: Nonsense variant predicted to result in protein truncation or nonsense mediated decay in a gene for which loss of function is a known mechanism of disease; Not observed at significant frequency in large population cohorts (gnomAD); Observed in men with prostate cancer (Nguyen-Dumont 2020, Darst 2021, Karlsson 2021); This variant is associated with the following publications: (PMID: 22980975, 32338768, 33436325, 32853339)

Genetic Services Laboratory, University of Chicago
Classification: Pathogenic. Last evaluated: 2018-03-08. Review status: criteria provided, single submitter. Criteria: ACMG Guidelines, 2015. Collection method: clinical testing. Allele origin: germline. Affected: yes.

Literature cited by the submitters: PubMed 23807571 (cited by Labcorp Genetics (formerly Invitae), Labcorp); PubMed 25614872 (cited by Labcorp Genetics (formerly Invitae), Labcorp); PubMed 32338768 (cited by Labcorp Genetics (formerly Invitae), Labcorp); PubMed 26506520 (cited by Victorian Clinical Genetics Services, Murdoch Childrens Research Institute); PubMed 27884168 (cited by Victorian Clinical Genetics Services, Murdoch Childrens Research Institute); PubMed 27978560 (cited by Victorian Clinical Genetics Services, Murdoch Childrens Research Institute); PubMed 22585167 (cited by Victorian Clinical Genetics Services, Murdoch Childrens Research Institute); PubMed 27595995 (cited by Victorian Clinical Genetics Services, Murdoch Childrens Research Institute); PubMed 20301790 (cited by Victorian Clinical Genetics Services, Murdoch Childrens Research Institute); PubMed 33804961 (cited by Women's Health and Genetics/Laboratory Corporation of America, LabCorp).

NM_000051.4(ATM):c.7921C>T (p.Gln2641Ter)

Genes: ATM (ATM serine/threonine kinase; plus strand), C11orf65 (chromosome 11 open reading frame 65; minus strand). Cytogenetic location: 11q22.3.
Variant type: single nucleotide variant.
Coding change: c.7921C>T on transcript NM_000051.4 (MANE Select); coding-DNA position 7921, C replaced by T.
Protein change: p.Gln2641Ter; replaces glutamine 2641 with a stop codon.
Molecular consequence: nonsense. On other transcripts: intron variant (2).
Genome position (GRCh38, 1-based): chr11:108,332,894, C>T. VCF-style: chr11-108332894-C-T. GRCh37 (hg19) VCF-style: chr11-108203621-C-T.
Other names: c.7921C>T, p.Gln2641Ter (NM_001351834.2); c.641-23823G>A (NM_001330368.2); c.*38+2326G>A (NM_001351110.2); short protein forms Q2641*.
Identifiers: ClinVar variation 481287 (VCV000481287.24), dbSNP rs769523686, ClinGen allele CA6266213.